The following is an entry in ClinVar:

NM_015178.3(RHOBTB2):c.138G>T (p.Leu46=)

Gene: RHOBTB2 (Rho related BTB domain containing 2; plus strand). Cytogenetic location: 8p21.3.
Variant type: single nucleotide variant.
Coding change: c.138G>T on transcript NM_015178.3 (MANE Select); coding-DNA position 138, G replaced by T.
Protein change: p.Leu46=; no amino-acid change (leucine 46 retained).
Molecular consequence: synonymous variant.
Genome position (GRCh38, 1-based): chr8:23,004,572, G>T. VCF-style: chr8-23004572-G-T. GRCh37 (hg19) VCF-style: chr8-22862085-G-T.
Other names: c.204G>T, p.Leu68= (NM_001160036.2); c.159G>T, p.Leu53= (NM_001160037.2); c.138G>T, p.Leu46= (NM_001374791.1).
Identifiers: ClinVar variation 4872346 (VCV004872346.2).
Genomic context (GRCh38, chr8:23,004,572, plus strand): 5'-TAAGACCAGGCTCATCTGTGCCCGCGCTTGCAATGCCACCCTCACCCAGTACCAGCTGCT[G>T]GCCACGCATGTGCCCACAGTATGGGCCATCGACCAATATCGTGTGTGCCAGGAGGTAAGG-3'
Protein context (NP_055993.2, residues 36-56): CNATLTQYQL[Leu46=]ATHVPTVWAI

ClinVar aggregate classification (germline): Likely benign (1 of 4 stars; one submission).

Submission:

CeGaT Center for Human Genetics Tuebingen
Classification: Likely benign. Last evaluated: 2026-05-01. Review status: criteria provided, single submitter. Criteria: CeGaT Center For Human Genetics Tuebingen Variant Classification Criteria Version 2. Collection method: clinical testing. Allele origin: germline. Affected: yes. Observed: 1 variant allele.
Comment: RHOBTB2: PM2:Supporting, BP4, BP7